The following is an entry in ClinVar:

NM_000344.4(SMN1):c.850C>T (p.Gln284Ter)

Gene: SMN1 (survival of motor neuron 1, telomeric). Cytogenetic location: 5q13.2.
Variant type: single nucleotide variant.
Coding change: c.850C>T on transcript NM_000344.4 (MANE Select); coding-DNA position 850, C replaced by T.
Protein change: p.Gln284Ter; replaces glutamine 284 with a stop codon.
Molecular consequence: nonsense. On other transcripts: intron variant (1).
Genome position (GRCh38, 1-based): chr5:70,951,956, C>T. VCF-style: chr5-70951956-C-T. GRCh37 (hg19) VCF-style: chr5-70247783-C-T.
Other names: c.754C>T, p.Gln252Ter (NM_022874.2); c.835-483C>T (NM_001297715.1); short protein forms Q252*, Q284*.
Identifiers: ClinVar variation 3239714 (VCV003239714.1), dbSNP rs1199331007.

ClinVar aggregate classification (germline): Pathogenic (1 of 4 stars; one submission).

Conditions:
Spinal muscular atrophy, type II (SMA2). Also called: MUSCULAR ATROPHY, SPINAL, INFANTILE CHRONIC FORM; MUSCULAR ATROPHY, SPINAL, INTERMEDIATE TYPE; SMA II. Identifiers: Orphanet 70, Orphanet 83418, MedGen C0393538, MONDO:0009673, OMIM 253550.

Submission:

DNA-diagnostics Laboratory, Research Centre For Medical Genetics
Classification: Pathogenic for Spinal muscular atrophy, type II. Last evaluated: 2024-06-04. Review status: criteria provided, single submitter. Criteria: ACMG Guidelines, 2015. Collection method: clinical testing. Allele origin: germline. Inheritance: Autosomal recessive inheritance. Affected: yes.
Comment: The p.Gln284* variant in the SMN1 gene fulfils the ACMG criteria: PM2, PVS1, PM3, PP4